The following is an entry in ClinVar:

ClinVar aggregate classification (germline): Uncertain significance. Review status: reviewed by expert panel (3 of 4 stars). 4 submissions from 4 submitters: Uncertain significance (1). 3 of the submissions do not count toward it. Last evaluated 2025-01-29.

Conditions:
Monogenic diabetes. Identifiers: Orphanet 183625, MedGen C3888631, MONDO:0015967.

Allele frequency attached by ClinVar (database versions not stated): ESP Exome Variant Server 0.00008.
gnomAD v4.1: 31 of 1,613,884 alleles (0.0019%); highest among the groups gnomAD compares: South Asian, 0.0055%; no homozygotes.

Submissions (4):

ClinGen Monogenic Diabetes Variant Curation Expert Panel
Classification: Uncertain significance for Monogenic diabetes. Last evaluated: 2025-01-29. Review status: reviewed by expert panel. Criteria: ClinGen Diabetes ACMG Specifications HNF4A V2.0.0. Collection method: curation. Allele origin: germline. Inheritance: Autosomal dominant inheritance.
Comment: The c.1303G>A variant in the HNF4 homeobox A gene, HNF4A, causes an amino acid change of valine to isoleucine at codon 435 (p.(Val435Ile)) of NM_175914.5. This variant is predicted to be benign by computational evidence, with a REVEL score of 0.124, which is less than or equal to the MDEP threshold of 0.15 (BP4). This variant has an incomputable gnomAD v2.1.1 GrpmaxPopmax filtering allele frequency due to 1 copy in the European non-Finnish subpopulation and 1 copy each in the East Asian and Admixed American subpopulations, thereby meeting the ClinGen MDEP threshold criteria for PM2_Supporting (ENF GrpmaxPopmax FAF <= 0.000003 and <= 2 copies in ENF and <=1 copy in any other subpopulation) (PM2_Supporting). This variant was identified in two individuals with non-autoimmune and non-absolute/near-absolute insulin-deficient diabetes, however, PS4_Moderate cannot be applied because this number is below the ClinGen MDEP threshold (internal lab contributors). In summary, c.1303G>A meets the criteria to be classified as a variant of uncertain significance for monogenic diabetes. ACMG/AMP criteria applied, as specified by the ClinGen MDEP (specification version 2.0.0, approved 10/11/2023): BP4, PP4, PM2_Supporting.

Labcorp Genetics (formerly Invitae), Labcorp
Classification: Uncertain significance. Last evaluated: 2025-12-21. Review status: criteria provided, single submitter. Criteria: Invitae Variant Classification Sherloc (09022015). Collection method: clinical testing. Allele origin: germline. Not counted in ClinVar's aggregate classification.
Comment: This sequence change replaces valine, which is neutral and non-polar, with isoleucine, which is neutral and non-polar, at codon 435 of the HNF4A protein (p.Val435Ile). The frequency data for this variant in the population databases is considered unreliable, as metrics indicate poor data quality at this position in the gnomAD database. This variant has not been reported in the literature in individuals affected with HNF4A-related conditions. ClinVar contains an entry for this variant (Variation ID: 1336989). An algorithm developed to predict the effect of missense changes on protein structure and function outputs the following: PolyPhen-2: "Benign". The isoleucine amino acid residue is found in multiple mammalian species, which suggests that this missense change does not adversely affect protein function. In summary, the available evidence is currently insufficient to determine the role of this variant in disease. Therefore, it has been classified as a Variant of Uncertain Significance.

Women's Health and Genetics/Laboratory Corporation of America, LabCorp
Classification: Uncertain significance. Last evaluated: 2023-04-20. Review status: criteria provided, single submitter. Criteria: LabCorp Variant Classification Summary - May 2015. Collection method: clinical testing. Allele origin: germline. Not counted in ClinVar's aggregate classification.
Comment: Variant summary: HNF4A c.1303G>A (p.Val435Ile) results in a conservative amino acid change in the encoded protein sequence. Five of five in-silico tools predict a benign effect of the variant on protein function. The variant allele was found at a frequency of 8e-06 in 251432 control chromosomes (gnomAD). The available data on variant occurrences in the general population are insufficient to allow any conclusion about variant significance. To our knowledge, no occurrence of c.1303G>A in individuals affected with Maturity Onset Diabetes Of The Young 1/Neonatal Diabetes Mellitus and no experimental evidence demonstrating its impact on protein function have been reported. Two clinical diagnostic laboratories have submitted clinical-significance assessments for this variant to ClinVar after 2014 and classified the variant as uncertain significance. Based on the evidence outlined above, the variant was classified as uncertain significance.

Genetic Services Laboratory, University of Chicago
Classification: Uncertain significance. Last evaluated: 2018-12-31. Review status: criteria provided, single submitter. Criteria: ACMG Guidelines, 2015. Collection method: clinical testing. Allele origin: germline. Affected: no. Not counted in ClinVar's aggregate classification.

NM_175914.5(HNF4A):c.1303G>A (p.Val435Ile)

Gene: HNF4A (hepatocyte nuclear factor 4 alpha; plus strand). Cytogenetic location: 20q13.12.
Variant type: single nucleotide variant.
Coding change: c.1303G>A on transcript NM_175914.5 (MANE Select); coding-DNA position 1303, G replaced by A.
Protein change: p.Val435Ile; replaces valine 435 with isoleucine.
Molecular consequence: missense variant.
Genome position (GRCh38, 1-based): chr20:44,429,609, G>A. VCF-style: chr20-44429609-G-A. GRCh37 (hg19) VCF-style: chr20-43058249-G-A.
Other names: NM_175914.5(HNF4A):c.1303G>A; p.Val435Ile; c.1369G>A, p.Val457Ile (NM_000457.6); c.1273G>A, p.Val425Ile (NM_001030003.3); c.1348G>A, p.Val450Ile (NM_001258355.2); c.1264G>A, p.Val422Ile (NM_001287182.2); c.1294G>A, p.Val432Ile (NM_001287183.2); c.1339G>A, p.Val447Ile (NM_178849.3); short protein forms V422I, V425I, V432I, V435I, V447I, V450I, V457I.
Identifiers: ClinVar variation 1336989 (VCV001336989.10), dbSNP rs145314165, ClinGen allele CA9870533.